The following is an entry in ClinVar:

NM_201384.3(PLEC):c.12167dup (p.Glu4057fs)

Gene: PLEC (plectin; minus strand). Cytogenetic location: 8q24.3.
Variant type: Duplication.
Coding change: c.12167dup on transcript NM_201384.3 (MANE Select); coding-DNA position 12167, one base duplicated (A; older notation c.12167dupA).
Protein change: p.Glu4057fs; shifts the reading frame from glutamic acid 4057.
Molecular consequence: frameshift variant.
Genome position (GRCh38, 1-based): chr8:143,917,654, T duplicated on the plus strand (A on the coding strand, the reverse complement: PLEC is on the minus strand). VCF-style (leftmost placement, unchanged base first): chr8-143917653-C-CT. GRCh37 (hg19) VCF-style: chr8-144991821-C-CT.
Other names: c.12248dup, p.Glu4084fs (NM_000445.5); c.8867dup, p.Glu2957fs (NM_001410941.1); c.12125dup, p.Glu4043fs (NM_201378.4); c.12101dup, p.Glu4035fs (NM_201379.3); c.12578dup, p.Glu4194fs (NM_201380.4); c.12071dup, p.Glu4025fs (NM_201381.3); c.12167dup, p.Glu4057fs (NM_201382.4); c.12179dup, p.Glu4061fs (NM_201383.3); short protein forms E4025fs, E4043fs, E4057fs, E4084fs, E4194fs, E2957fs, E4035fs, E4061fs.
Identifiers: ClinVar variation 4991660 (VCV004991660.1).

ClinVar aggregate classification (germline): Likely pathogenic (1 of 4 stars; one submission).

Conditions:
PLEC-related disorder. Also called: PLEC-related disorders; PLEC-related condition.

Submission:

PreventionGenetics, part of Exact Sciences
Classification: Likely pathogenic for PLEC-related condition. Last evaluated: 2026-08-16. Review status: criteria provided, single submitter. Criteria: ACMG Guidelines, 2015. Collection method: clinical testing. Allele origin: germline.
Comment: The PLEC c.12248dupA variant is predicted to result in a frameshift and premature protein termination (p.Glu4084Glyfs*18). To our knowledge, this variant has not been reported in the literature or in a large population database (gnomAD), indicating this variant is rare. Frameshift variants in PLEC are expected to be pathogenic. This variant is interpreted as likely pathogenic.